The following is an entry in ClinVar:

ClinVar aggregate classification (germline): Pathogenic/Likely pathogenic. Review status: criteria provided, multiple submitters, no conflicts (2 of 4 stars). 2 submissions from 2 submitters: Pathogenic (1); Likely pathogenic (1). Last evaluated 2026-05-29.

Conditions:
X-linked Alport syndrome (ATS1). Also called: NEPHROPATHY AND DEAFNESS, X-LINKED; COL4A5-Related Nephropathy. Identifiers: Orphanet 63, Orphanet 88917, MedGen C4746986, MONDO:0010520, OMIM 301050.
Hematuria. Identifiers: MedGen C0018965, HP:0000790.

Submissions (2):

Genetics Laboratory, Great Ormond Street Hospital NHS Foundation Trust, North Thames Genomic Laboratory Hub
Classification: Pathogenic for Haematuria. Last evaluated: 2026-05-29. Review status: criteria provided, single submitter. Criteria: ACGS Best Practice Guidelines for Variant Classification in Rare Disease 2024 v1.2. Collection method: clinical testing. Allele origin: germline. Affected: yes.
Comment: PS4_supporting, PM2_moderate, PP3_supporting, PM5_moderate, PM1_strong, PP4_supporting

Department of Nephrology, Hangzhou First People's Hospital Tonglu Campus
Classification: Likely pathogenic for X-linked Alport syndrome. Review status: criteria provided, single submitter. Criteria: ACMG Guidelines, 2015. Collection method: provider interpretation. Allele origin: maternal. Affected: yes. Observed: 1 variant allele, 1 hemizygote.
Comment: This germline missense variant (c.4700G>A, p.Cys1567Tyr) in COL4A5 affects a highly conserved cysteine residue in the carboxy non-collagenous (NC1) domain, which is critical for collagen IV α5 chain function and structural stability. According to the ACMG/AMP variant interpretation framework combined with specialized guidelines for Alport syndrome, detailed evidence for the variant c.4700G>A (p.Cys1567Tyr) is summarized below: PM1: This rare missense variant locates at a critical conserved cysteine residue in the carboxy-terminal NC1 domain of COL4A5. PM2: The variant is extremely rare in general population databases. PP1: Strong phenotype co-segregation was confirmed within the affected pedigree. PP3: Multiple in silico prediction tools consistently indicated a deleterious effect on protein function. PP4: The proband’s clinical manifestations, hearing impairment and renal electron microscopic features are highly consistent with the typical phenotype of X-linked Alport syndrome. Combined with the above cumulative evidence, this variant is strongly suspected to be a likely pathogenic variant associated with XLAS.

Literature cited by the submitters: DOI 10.1038/s41598-022-14928-x (cited by Department of Nephrology, Hangzhou First People's Hospital Tonglu Campus).

NM_033380.3(COL4A5):c.4718G>A (p.Cys1573Tyr)

Gene: COL4A5 (collagen type IV alpha 5 chain; plus strand). Cytogenetic location: Xq22.3.
Variant type: single nucleotide variant.
Coding change: c.4718G>A on transcript NM_033380.3 (MANE Select); coding-DNA position 4718, G replaced by A.
Protein change: p.Cys1573Tyr; replaces cysteine 1573 with tyrosine.
Molecular consequence: missense variant.
Genome position (GRCh38, 1-based): chrX:108,694,818, G>A. VCF-style: chrX-108694818-G-A. GRCh37 (hg19) VCF-style: chrX-107938048-G-A.
Other names: c.4700G>A, p.Cys1567Tyr (NM_000495.5); short protein forms C1567Y, C1573Y.
Identifiers: ClinVar variation 4849515 (VCV004849515.2).